The following is an entry in ClinVar:

NM_000142.5(FGFR3):c.1082A>G (p.Glu361Gly)

Gene: FGFR3 (fibroblast growth factor receptor 3; plus strand). Cytogenetic location: 4p16.3.
Variant type: single nucleotide variant.
Coding change: c.1082A>G on transcript NM_000142.5 (MANE Select); coding-DNA position 1082, A replaced by G.
Protein change: p.Glu361Gly; replaces glutamic acid 361 with glycine.
Molecular consequence: missense variant. On other transcripts: non-coding transcript variant (1), intron variant (1).
Genome position (GRCh38, 1-based): chr4:1,804,336, A>G. VCF-style: chr4-1804336-A-G. GRCh37 (hg19) VCF-style: chr4-1806063-A-G.
Other names: c.1088A>G, p.Glu363Gly (NM_001163213.2); c.1082A>G, p.Glu361Gly (NM_001354809.2, NM_001354810.2); c.931-488A>G (NM_022965.4); short protein forms E361G, E363G.
Identifiers: ClinVar variation 2249661 (VCV002249661.3), dbSNP rs745683500, ClinGen allele CA355978824.
Genomic context (GRCh38, chr4:1,804,336, plus strand): 5'-GGAGCCCCGTGGGGGGGGGGGCCAGGCCAGGCCTCAACGCCCATGTCTTTGCAGCCGAGG[A>G]GGAGCTGGTGGAGGCTGACGAGGCGGGCAGTGTGTATGCAGGCATCCTCAGCTACGGGGT-3'
Protein context (NP_000133.1, residues 351-371): SAWLVVLPAE[Glu361Gly]ELVEADEAGS

ClinVar aggregate classification (germline): Uncertain significance. Review status: criteria provided, multiple submitters, no conflicts (2 of 4 stars). 2 submissions from 2 submitters: Uncertain significance (2). Last evaluated 2025-06-27.

Conditions:
Inborn genetic diseases. Identifiers: MedGen C0950123, MeSH D030342.

Allele frequency attached by ClinVar (database versions not stated): gnomAD 0.00001.

Submissions (2):

Labcorp Genetics (formerly Invitae), Labcorp
Classification: Uncertain significance. Last evaluated: 2025-06-27. Review status: criteria provided, single submitter. Criteria: Invitae Variant Classification Sherloc (09022015). Collection method: clinical testing. Allele origin: germline.
Comment: This sequence change replaces glutamic acid, which is acidic and polar, with glycine, which is neutral and non-polar, at codon 361 of the FGFR3 protein (p.Glu361Gly). This variant is not present in population databases (gnomAD no frequency). This variant has not been reported in the literature in individuals affected with FGFR3-related conditions. ClinVar contains an entry for this variant (Variation ID: 2249661). Invitae Evidence Modeling of protein sequence and biophysical properties (such as structural, functional, and spatial information, amino acid conservation, physicochemical variation, residue mobility, and thermodynamic stability) indicates that this missense variant is not expected to disrupt FGFR3 protein function with a negative predictive value of 80%. In summary, the available evidence is currently insufficient to determine the role of this variant in disease. Therefore, it has been classified as a Variant of Uncertain Significance.

Ambry Genetics
Classification: Uncertain significance for Inborn genetic diseases. Last evaluated: 2021-09-16. Review status: criteria provided, single submitter. Criteria: Ambry Variant Classification Scheme 2023. Collection method: clinical testing. Allele origin: germline.